The following is an entry in ClinVar:

ClinVar aggregate classification (germline): Uncertain significance (1 of 4 stars; one submission).

Conditions:
Nemaline myopathy 9 (NEM9). Identifiers: MedGen C3810384, MONDO:0014326, OMIM 615731.

Submission:

Labcorp Genetics (formerly Invitae), Labcorp
Classification: Uncertain significance for Nemaline myopathy 9. Last evaluated: 2022-03-11. Review status: criteria provided, single submitter. Criteria: Invitae Variant Classification Sherloc (09022015). Collection method: clinical testing. Allele origin: germline.
Comment: Algorithms developed to predict the effect of missense changes on protein structure and function are either unavailable or do not agree on the potential impact of this missense change (SIFT: "Deleterious"; PolyPhen-2: "Benign"; Align-GVGD: "Class C0"). This sequence change replaces isoleucine, which is neutral and non-polar, with methionine, which is neutral and non-polar, at codon 165 of the KLHL41 protein (p.Ile165Met). This variant is not present in population databases (gnomAD no frequency). This variant has not been reported in the literature in individuals affected with KLHL41-related conditions. In summary, the available evidence is currently insufficient to determine the role of this variant in disease. Therefore, it has been classified as a Variant of Uncertain Significance.

NM_006063.3(KLHL41):c.495T>G (p.Ile165Met)

Gene: KLHL41 (kelch like family member 41; plus strand). Cytogenetic location: 2q31.1.
Variant type: single nucleotide variant.
Coding change: c.495T>G on transcript NM_006063.3 (MANE Select); coding-DNA position 495, T replaced by G.
Protein change: p.Ile165Met; replaces isoleucine 165 with methionine.
Molecular consequence: missense variant.
Genome position (GRCh38, 1-based): chr2:169,510,273, T>G. VCF-style: chr2-169510273-T-G. GRCh37 (hg19) VCF-style: chr2-170366783-T-G.
Other names: short protein forms I165M.
Identifiers: ClinVar variation 2109307 (VCV002109307.4), dbSNP rs2468055220, ClinGen allele CA349174435.